The following is an entry in ClinVar:

NM_004304.5(ALK):c.156G>T (p.Lys52Asn)

Gene: ALK (ALK receptor tyrosine kinase; minus strand). Cytogenetic location: 2p23.1.
Variant type: single nucleotide variant.
Coding change: c.156G>T on transcript NM_004304.5 (MANE Select); coding-DNA position 156, G replaced by T.
Protein change: p.Lys52Asn; replaces lysine 52 with asparagine.
Molecular consequence: missense variant.
Genome position (GRCh38, 1-based): chr2:29,920,504, C>A on the plus strand (G>T on the coding strand, the complement: ALK is on the minus strand). VCF-style: chr2-29920504-C-A. GRCh37 (hg19) VCF-style: chr2-30143370-C-A.
Other names: short protein forms K52N.
Identifiers: ClinVar variation 2310295 (VCV002310295.3), dbSNP rs2465867436, ClinGen allele CA346590587.

ClinVar aggregate classification (germline): Uncertain significance (1 of 4 stars; one submission).

Conditions:
Hereditary cancer-predisposing syndrome. Also called: Hereditary Cancer Syndrome; Hereditary neoplastic syndrome; Neoplastic Syndromes, Hereditary; Tumor predisposition. Identifiers: Orphanet 140162, MedGen C0027672, MeSH D009386, MONDO:0015356.

Submission:

Ambry Genetics
Classification: Uncertain significance for Hereditary cancer-predisposing syndrome. Last evaluated: 2024-07-08. Review status: criteria provided, single submitter. Criteria: Ambry Variant Classification Scheme 2023. Collection method: clinical testing. Allele origin: germline.
Comment: The p.K52N variant (also known as c.156G>T), located in coding exon 1 of the ALK gene, results from a G to T substitution at nucleotide position 156. The lysine at codon 52 is replaced by asparagine, an amino acid with similar properties. This amino acid position is conserved. In addition, this alteration is predicted to be tolerated by in silico analysis. Based on the available evidence, the clinical significance of this variant remains unclear.